The following is an entry in ClinVar:

ClinVar aggregate classification (germline): Uncertain significance. Review status: criteria provided, multiple submitters, no conflicts (2 of 4 stars). 2 submissions from 2 submitters: Uncertain significance (2). Last evaluated 2025-11-19.

Conditions:
Inborn genetic diseases. Identifiers: MedGen C0950123, MeSH D030342.

Allele frequency attached by ClinVar (database versions not stated): TOPMed below 0.00001.
gnomAD v4.1: 2 of 1,613,992 alleles (0.00012%); no homozygotes.

Submissions (2):

Ambry Genetics
Classification: Uncertain significance for Inborn genetic diseases. Last evaluated: 2025-11-19. Review status: criteria provided, single submitter. Criteria: Ambry Variant Classification Scheme 2023. Collection method: clinical testing. Allele origin: germline.

Labcorp Genetics (formerly Invitae), Labcorp
Classification: Uncertain significance. Last evaluated: 2022-04-30. Review status: criteria provided, single submitter. Criteria: Invitae Variant Classification Sherloc (09022015). Collection method: clinical testing. Allele origin: germline.
Comment: This sequence change replaces lysine, which is basic and polar, with glutamic acid, which is acidic and polar, at codon 2177 of the CAD protein (p.Lys2177Glu). This variant is not present in population databases (gnomAD no frequency). This variant has not been reported in the literature in individuals affected with CAD-related conditions. Algorithms developed to predict the effect of missense changes on protein structure and function output the following: SIFT: "Tolerated"; PolyPhen-2: "Benign"; Align-GVGD: "Class C0". The glutamic acid amino acid residue is found in multiple mammalian species, which suggests that this missense change does not adversely affect protein function. In summary, the available evidence is currently insufficient to determine the role of this variant in disease. Therefore, it has been classified as a Variant of Uncertain Significance.

NM_004341.5(CAD):c.6529A>G (p.Lys2177Glu)

Genes: CAD (carbamoyl-phosphate synthetase 2, aspartate transcarbamylase, and dihydroorotase; plus strand), LOC126806172 (CDK7 strongly-dependent group 2 enhancer GRCh37_chr2:27465505-27466704; plus strand). Cytogenetic location: 2p23.3.
Variant type: single nucleotide variant.
Coding change: c.6529A>G on transcript NM_004341.5 (MANE Select); coding-DNA position 6529, A replaced by G.
Protein change: p.Lys2177Glu; replaces lysine 2177 with glutamic acid.
Molecular consequence: missense variant.
Genome position (GRCh38, 1-based): chr2:27,243,246, A>G. VCF-style: chr2-27243246-A-G. GRCh37 (hg19) VCF-style: chr2-27466114-A-G.
Other names: c.6529A>G (NM_004341.3); c.6340A>G, p.Lys2114Glu (NM_001306079.2); short protein forms K2114E, K2177E.
Identifiers: ClinVar variation 2180679 (VCV002180679.2), dbSNP rs1676412390, ClinGen allele CA346225267.